The following is an entry in ClinVar:

NM_000051.4(ATM):c.7658C>A (p.Pro2553His)

Genes: ATM (ATM serine/threonine kinase; plus strand), C11orf65 (chromosome 11 open reading frame 65; minus strand). Cytogenetic location: 11q22.3.
Variant type: single nucleotide variant.
Coding change: c.7658C>A on transcript NM_000051.4 (MANE Select); coding-DNA position 7658, C replaced by A.
Protein change: p.Pro2553His; replaces proline 2553 with histidine.
Molecular consequence: missense variant. On other transcripts: intron variant (2).
Genome position (GRCh38, 1-based): chr11:108,331,907, C>A. VCF-style: chr11-108331907-C-A. GRCh37 (hg19) VCF-style: chr11-108202634-C-A.
Other names: c.7658C>A, p.Pro2553His (NM_001351834.2); c.641-22836G>T (NM_001330368.2); c.*38+3313G>T (NM_001351110.2); short protein forms P2553H.
Identifiers: ClinVar variation 220518 (VCV000220518.53), dbSNP rs864622368, ClinGen allele CA348900.

ClinVar aggregate classification (germline): Uncertain significance. Review status: criteria provided, multiple submitters, no conflicts (2 of 4 stars). 4 submissions from 4 submitters: Uncertain significance (4). Last evaluated 2025-12-29.

Conditions:
Hereditary cancer-predisposing syndrome. Also called: Neoplastic Syndromes, Hereditary; Hereditary neoplastic syndrome; Tumor predisposition; Hereditary Cancer Syndrome. Identifiers: Orphanet 140162, MedGen C0027672, MeSH D009386, MONDO:0015356.
Breast and/or ovarian cancer. Identifiers: MedGen CN221562.
Familial cancer of breast. Also called: hereditary breast carcinoma; Hereditary breast cancer; BREAST CANCER, FAMILIAL. Identifiers: Orphanet 227535, MedGen C0346153, MONDO:0016419, OMIM 114480. Disease mechanism: loss of function.
Ataxia-telangiectasia syndrome (AT). Also called: Ataxia telangiectasia (A-T); Cerebello-oculocutaneous telangiectasia; Immunodeficiency with ataxia telangiectasia; LOUIS-BAR SYNDROME; AT, COMPLEMENTATION GROUP C; ATAXIA-TELANGIECTASIA, FRESNO VARIANT. Identifiers: Orphanet 100, MedGen C0004135, MONDO:0008840, OMIM 208900.

Allele frequency attached by ClinVar (database versions not stated): gnomAD exomes below 0.00001; gnomAD 0.00003; TOPMed 0.00001.
gnomAD v4.1: 1 of 1,613,766 alleles (0.000062%); highest among the groups gnomAD compares: Non-Finnish European, 0.000085%; no homozygotes.

Submissions (4):

Labcorp Genetics (formerly Invitae), Labcorp
Classification: Uncertain significance for Ataxia-telangiectasia syndrome. Last evaluated: 2025-12-29. Review status: criteria provided, single submitter. Criteria: Invitae Variant Classification Sherloc (09022015). Collection method: clinical testing. Allele origin: germline.
Comment: This sequence change replaces proline, which is neutral and non-polar, with histidine, which is basic and polar, at codon 2553 of the ATM protein (p.Pro2553His). This variant is present in population databases (no rsID available, gnomAD 0.007%). This variant has not been reported in the literature in individuals affected with ATM-related conditions. ClinVar contains an entry for this variant (Variation ID: 220518). Invitae Evidence Modeling of protein sequence and biophysical properties (such as structural, functional, and spatial information, amino acid conservation, physicochemical variation, residue mobility, and thermodynamic stability) indicates that this missense variant is expected to disrupt ATM protein function with a positive predictive value of 95%. In summary, the available evidence is currently insufficient to determine the role of this variant in disease. Therefore, it has been classified as a Variant of Uncertain Significance.

Ambry Genetics
Classification: Uncertain significance for Hereditary cancer-predisposing syndrome. Last evaluated: 2024-06-27. Review status: criteria provided, single submitter. Criteria: Ambry Variant Classification Scheme 2023. Collection method: clinical testing. Allele origin: germline.
Comment: The p.P2553H variant (also known as c.7658C>A), located in coding exon 51 of the ATM gene, results from a C to A substitution at nucleotide position 7658. The proline at codon 2553 is replaced by histidine, an amino acid with similar properties. This amino acid position is highly conserved in available vertebrate species. In addition, this alteration is predicted to be deleterious by in silico analysis. Based on the available evidence, the clinical significance of this variant remains unclear.

CHEO Genetics Diagnostic Laboratory, Children's Hospital of Eastern Ontario
Classification: Uncertain significance for Breast and/or ovarian cancer. Last evaluated: 2022-09-16. Review status: criteria provided, single submitter. Criteria: ACMG Guidelines, 2015. Collection method: clinical testing. Allele origin: germline.

Department of Pathology and Laboratory Medicine, Sinai Health System
Classification: Uncertain significance for Familial cancer of breast. Last evaluated: 2021-09-21. Review status: criteria provided, single submitter. Criteria: ACMG Guidelines, 2015. Collection method: clinical testing. Allele origin: germline. Affected: yes.